The following is an entry in ClinVar:

NM_004984.4(KIF5A):c.587C>A (p.Thr196Asn)

Gene: KIF5A (kinesin family member 5A; plus strand). Cytogenetic location: 12q13.3.
Variant type: single nucleotide variant.
Coding change: c.587C>A on transcript NM_004984.4 (MANE Select); coding-DNA position 587, C replaced by A.
Protein change: p.Thr196Asn; replaces threonine 196 with asparagine.
Molecular consequence: missense variant.
Genome position (GRCh38, 1-based): chr12:57,567,211, C>A. VCF-style: chr12-57567211-C-A. GRCh37 (hg19) VCF-style: chr12-57960994-C-A.
Other names: c.320C>A, p.Thr107Asn (NM_001354705.2); short protein forms T107N, T196N.
Identifiers: ClinVar variation 3609686 (VCV003609686.2).

ClinVar aggregate classification (germline): Uncertain significance (1 of 4 stars; one submission).

Conditions:
Spastic paraplegia. Identifiers: MedGen C0037772, HP:0001258.

Submission:

Labcorp Genetics (formerly Invitae), Labcorp
Classification: Uncertain significance for Spastic paraplegia. Last evaluated: 2024-09-17. Review status: criteria provided, single submitter. Criteria: Invitae Variant Classification Sherloc (09022015). Collection method: clinical testing. Allele origin: germline.
Comment: This sequence change replaces threonine, which is neutral and polar, with asparagine, which is neutral and polar, at codon 196 of the KIF5A protein (p.Thr196Asn). This variant is not present in population databases (gnomAD no frequency). This missense change has been observed in individual(s) with clinical features of KIF5A-related conditions (PMID: 31827005). An algorithm developed to predict the effect of missense changes on protein structure and function (PolyPhen-2) suggests that this variant is likely to be disruptive. In summary, the available evidence is currently insufficient to determine the role of this variant in disease. Therefore, it has been classified as a Variant of Uncertain Significance.

Literature cited by the submitters: PubMed 31827005.